The following is an entry in ClinVar:

ClinVar aggregate classification (germline): Uncertain significance. Review status: criteria provided, multiple submitters, no conflicts (2 of 4 stars). 2 submissions from 2 submitters: Uncertain significance (2). Last evaluated 2026-02-23.

Conditions:
Hereditary cancer-predisposing syndrome. Also called: Neoplastic Syndromes, Hereditary; Hereditary neoplastic syndrome; Tumor predisposition; Hereditary Cancer Syndrome. Identifiers: Orphanet 140162, MedGen C0027672, MeSH D009386, MONDO:0015356.
Medulloblastoma (MDB). Also called: Medulloblastoma, somatic; MEDULLOBLASTOMA PREDISPOSITION SYNDROME. Identifiers: Orphanet 616, MedGen C0025149, MeSH D008527, MONDO:0007959, OMIM 155255, HP:0002885.
Gorlin syndrome. Also called: Nevoid Basal Cell Carcinoma Syndrome; Basal cell nevus syndrome. Identifiers: Orphanet 377, MedGen C0004779, MONDO:0007187.

gnomAD v4.1: 1 of 1,614,088 alleles (0.000062%); highest among the groups gnomAD compares: Admixed American, 0.0017%; no homozygotes.

Submissions (2):

Ambry Genetics
Classification: Uncertain significance for Hereditary cancer-predisposing syndrome. Last evaluated: 2026-02-23. Review status: criteria provided, single submitter. Criteria: Ambry Variant Classification Scheme 2023. Collection method: clinical testing. Allele origin: germline.
Comment: The c.182+5G>A intronic variant results from a G to A substitution 5 nucleotides after coding exon 1 in the SUFU gene. In silico splice site analysis predicts that this alteration may result in the creation or strengthening of a novel splice donor site; however, direct evidence is insufficient at this time (Ambry internal data). Based on the available evidence, the clinical significance of this variant remains unclear.

Labcorp Genetics (formerly Invitae), Labcorp
Classification: Uncertain significance for Gorlin syndrome; Medulloblastoma. Last evaluated: 2025-11-18. Review status: criteria provided, single submitter. Criteria: Invitae Variant Classification Sherloc (09022015). Collection method: clinical testing. Allele origin: germline.
Comment: This sequence change falls in intron 1 of the SUFU gene. It does not directly change the encoded amino acid sequence of the SUFU protein. It affects a nucleotide within the consensus splice site. This variant is not present in population databases (gnomAD no frequency). This variant has not been reported in the literature in individuals affected with SUFU-related conditions. Variants that disrupt the consensus splice site are a relatively common cause of aberrant splicing (PMID: 17576681, 9536098). Algorithms developed to predict the effect of sequence changes on RNA splicing suggest that this variant may disrupt the consensus splice site. In summary, the available evidence is currently insufficient to determine the role of this variant in disease. Therefore, it has been classified as a Variant of Uncertain Significance.

Literature cited by the submitters: PubMed 17576681 (cited by Labcorp Genetics (formerly Invitae), Labcorp); PubMed 9536098 (cited by Labcorp Genetics (formerly Invitae), Labcorp).

NM_016169.4(SUFU):c.182+5G>A

Gene: SUFU (SUFU negative regulator of hedgehog signaling; plus strand). Cytogenetic location: 10q24.32.
Variant type: single nucleotide variant.
Coding change: c.182+5G>A on transcript NM_016169.4 (MANE Select); 5 bases into the intron after coding-DNA position 182, G replaced by A.
Molecular consequence: intron variant.
Genome position (GRCh38, 1-based): chr10:102,504,339, G>A. VCF-style: chr10-102504339-G-A. GRCh37 (hg19) VCF-style: chr10-104264096-G-A.
Other names: c.182+5G>A (NM_016169.3, NM_001178133.2).
Identifiers: ClinVar variation 4788448 (VCV004788448.2).
Genomic context (GRCh38, chr10:102,504,339, plus strand): 5'-CGCCTTTACCCTGACCAGCCGAACCCGCTCCAGGTTACCGCTATCGTCAAGTACTGGTAT[G>A]CTCTGGGCCGCGGGGAGACGGACAGGCGCGGGCTGGAAAGGGTTAAAGCGCCGAGGGCGA-3'